The following is an entry in ClinVar:

ClinVar aggregate classification (germline): Uncertain significance (1 of 4 stars; one submission).

Submission:

GeneDx
Classification: Uncertain significance. Last evaluated: 2018-05-24. Review status: criteria provided, single submitter. Criteria: GeneDx Variant Classification (06012015). Collection method: clinical testing. Allele origin: germline. Affected: yes.
Comment: The I912S variant has not been published as a pathogenic variant, nor has it been reported as a benign variant to our knowledge. The I912S variant is not observed in large population cohorts (Lek et al., 2016). The I912S variant is a non-conservative amino acid substitution, which is likely to impact secondary protein structure as these residues differ in polarity, charge, size and/or other properties. In-silico analyses, including protein predictors and evolutionary conservation, support a deleterious effect. In summary, based on the currently available information, it is unclear whether this variant is a pathogenic variant or a rare benign variant.

NM_004239.4(TRIP11):c.2735T>G (p.Ile912Ser)

Gene: TRIP11 (thyroid hormone receptor interactor 11; minus strand). Cytogenetic location: 14q32.12.
Variant type: single nucleotide variant.
Coding change: c.2735T>G on transcript NM_004239.4 (MANE Select); coding-DNA position 2735, T replaced by G.
Protein change: p.Ile912Ser; replaces isoleucine 912 with serine.
Molecular consequence: missense variant.
Genome position (GRCh38, 1-based): chr14:92,005,241, A>C on the plus strand (T>G on the coding strand, the complement: TRIP11 is on the minus strand). VCF-style: chr14-92005241-A-C. GRCh37 (hg19) VCF-style: chr14-92471585-A-C.
Other names: c.2732T>G, p.Ile911Ser (NM_001321851.1); short protein forms I912S, I911S.
Identifiers: ClinVar variation 546500 (VCV000546500.2), dbSNP rs1555386357, ClinGen allele CA390656191.